The following is an entry in ClinVar:

ClinVar aggregate classification (germline): Uncertain significance. Review status: criteria provided, multiple submitters, no conflicts (2 of 4 stars). 3 submissions from 3 submitters: Uncertain significance (3). Last evaluated 2025-08-24.

Conditions:
BBS4-related disorder. Also called: BBS4-related condition.
Bardet-Biedl syndrome (BBS). Identifiers: Orphanet 110, MedGen C0752166, MONDO:0015229.

Allele frequency attached by ClinVar (database versions not stated): TOPMed below 0.00001; ExAC 0.00001; gnomAD exomes 0.00001.
gnomAD v4.1: 20 of 1,612,064 alleles (0.0012%); highest among the groups gnomAD compares: Non-Finnish European, 0.0016%; no homozygotes.

Submissions (3):

PreventionGenetics, part of Exact Sciences
Classification: Uncertain significance for BBS4-related condition. Last evaluated: 2025-08-24. Review status: criteria provided, single submitter. Criteria: ACMG Guidelines, 2015. Collection method: clinical testing. Allele origin: germline.
Comment: The BBS4 c.593C>T variant is predicted to result in the amino acid substitution p.Ser198Leu. To our knowledge, this variant has not been reported in the literature. This variant is reported in 0.0018% of alleles in individuals of European (Non-Finnish) descent in gnomAD. At this time, the clinical significance of this variant is uncertain due to the absence of conclusive functional and genetic evidence.

Labcorp Genetics (formerly Invitae), Labcorp
Classification: Uncertain significance for Bardet-Biedl syndrome. Last evaluated: 2025-08-04. Review status: criteria provided, single submitter. Criteria: Invitae Variant Classification Sherloc (09022015). Collection method: clinical testing. Allele origin: germline.
Comment: This sequence change replaces serine, which is neutral and polar, with leucine, which is neutral and non-polar, at codon 198 of the BBS4 protein (p.Ser198Leu). This variant is present in population databases (rs751076253, gnomAD 0.002%). This variant has not been reported in the literature in individuals affected with BBS4-related conditions. ClinVar contains an entry for this variant (Variation ID: 1435027). Invitae Evidence Modeling of protein sequence and biophysical properties (such as structural, functional, and spatial information, amino acid conservation, physicochemical variation, residue mobility, and thermodynamic stability) indicates that this missense variant is expected to disrupt BBS4 protein function with a positive predictive value of 80%. In summary, the available evidence is currently insufficient to determine the role of this variant in disease. Therefore, it has been classified as a Variant of Uncertain Significance.

Blueprint Genetics
Classification: Uncertain significance. Last evaluated: 2022-08-05. Review status: criteria provided, single submitter. Criteria: ACMG Guidelines, 2015. Collection method: clinical testing. Allele origin: germline.

NM_033028.5(BBS4):c.593C>T (p.Ser198Leu)

Gene: BBS4 (Bardet-Biedl syndrome 4; plus strand). Cytogenetic location: 15q24.1.
Variant type: single nucleotide variant.
Coding change: c.593C>T on transcript NM_033028.5 (MANE Select); coding-DNA position 593, C replaced by T.
Protein change: p.Ser198Leu; replaces serine 198 with leucine.
Molecular consequence: missense variant. On other transcripts: non-coding transcript variant (2).
Genome position (GRCh38, 1-based): chr15:72,727,945, C>T. VCF-style: chr15-72727945-C-T. GRCh37 (hg19) VCF-style: chr15-73020286-C-T.
Other names: c.593C>T (NM_033028.4); c.77C>T, p.Ser26Leu (NM_001252678.2); c.593C>T, p.Ser198Leu (NM_001320665.2); short protein forms S198L, S26L.
Identifiers: ClinVar variation 1435027 (VCV001435027.10), dbSNP rs751076253, ClinGen allele CA7646690.